The following is an entry in ClinVar:

ClinVar aggregate classification (germline): Likely benign. Review status: criteria provided, multiple submitters, no conflicts (2 of 4 stars). 2 submissions from 2 submitters: Likely benign (2). Last evaluated 2025-11-25.

Allele frequency attached by ClinVar (database versions not stated): ESP Exome Variant Server 0.00008.

Submissions (2):

Labcorp Genetics (formerly Invitae), Labcorp
Classification: Likely benign. Last evaluated: 2025-11-25. Review status: criteria provided, single submitter. Criteria: Invitae Variant Classification Sherloc (09022015). Collection method: clinical testing. Allele origin: germline.

CeGaT Center for Human Genetics Tuebingen
Classification: Likely benign. Last evaluated: 2023-02-01. Review status: criteria provided, single submitter. Criteria: CeGaT Center For Human Genetics Tuebingen Variant Classification Criteria Version 2. Collection method: clinical testing. Allele origin: germline. Affected: yes. Observed: 1 variant allele.
Comment: TONSL: BP4, BP7

NM_013432.5(TONSL):c.1200C>T (p.Arg400=)

Gene: TONSL (tonsoku like, DNA repair protein; minus strand). Cytogenetic location: 8q24.3.
Variant type: single nucleotide variant.
Coding change: c.1200C>T on transcript NM_013432.5 (MANE Select); coding-DNA position 1200, C replaced by T.
Protein change: p.Arg400=; no amino-acid change (arginine 400 retained).
Molecular consequence: synonymous variant.
Genome position (GRCh38, 1-based): chr8:144,440,441, G>A on the plus strand (C>T on the coding strand, the complement: TONSL is on the minus strand). VCF-style: chr8-144440441-G-A. GRCh37 (hg19) VCF-style: chr8-145665824-G-A.
Identifiers: ClinVar variation 2070445 (VCV002070445.28), dbSNP rs147865138, ClinGen allele CA4943333.